The following is an entry in ClinVar:

ClinVar aggregate classification (germline): Uncertain significance. Review status: criteria provided, multiple submitters, no conflicts (2 of 4 stars). 7 submissions from 7 submitters: Uncertain significance (6). 1 of the submissions does not count toward it. Last evaluated 2025-02-02.

Conditions:
Hereditary cancer-predisposing syndrome. Also called: Hereditary neoplastic syndrome; Neoplastic Syndromes, Hereditary; Tumor predisposition; Hereditary Cancer Syndrome. Identifiers: Orphanet 140162, MedGen C0027672, MeSH D009386, MONDO:0015356.
Familial cancer of breast. Also called: BREAST CANCER, FAMILIAL; Hereditary breast cancer; hereditary breast carcinoma. Identifiers: Orphanet 227535, MedGen C0346153, MONDO:0016419, OMIM 114480. Disease mechanism: loss of function.
Ataxia-telangiectasia syndrome (AT). Also called: LOUIS-BAR SYNDROME; Cerebello-oculocutaneous telangiectasia; Immunodeficiency with ataxia telangiectasia; AT, COMPLEMENTATION GROUP C; Ataxia-telangiectasia, complementation group D; ATAXIA-TELANGIECTASIA, COMPLEMENTATION GROUP A. Identifiers: Orphanet 100, MedGen C0004135, MONDO:0008840, OMIM 208900.

Allele frequency attached by ClinVar (database versions not stated): gnomAD exomes below 0.00001.
gnomAD v4.1: 2 of 1,613,906 alleles (0.00012%); highest among the groups gnomAD compares: Non-Finnish European, 0.00017%; no homozygotes.

Submissions (7):

Labcorp Genetics (formerly Invitae), Labcorp
Classification: Uncertain significance for Ataxia-telangiectasia syndrome. Last evaluated: 2025-02-02. Review status: criteria provided, single submitter. Criteria: Invitae Variant Classification Sherloc (09022015). Collection method: clinical testing. Allele origin: germline.
Comment: This sequence change replaces tyrosine, which is neutral and polar, with histidine, which is basic and polar, at codon 1603 of the ATM protein (p.Tyr1603His). This variant is not present in population databases (gnomAD no frequency). This variant has not been reported in the literature in individuals affected with ATM-related conditions. ClinVar contains an entry for this variant (Variation ID: 481197). Invitae Evidence Modeling of protein sequence and biophysical properties (such as structural, functional, and spatial information, amino acid conservation, physicochemical variation, residue mobility, and thermodynamic stability) indicates that this missense variant is not expected to disrupt ATM protein function with a negative predictive value of 95%. In summary, the available evidence is currently insufficient to determine the role of this variant in disease. Therefore, it has been classified as a Variant of Uncertain Significance.

Ambry Genetics
Classification: Uncertain significance for Hereditary cancer-predisposing syndrome. Last evaluated: 2024-07-15. Review status: criteria provided, single submitter. Criteria: Ambry Variant Classification Scheme 2023. Collection method: clinical testing. Allele origin: germline.
Comment: The p.Y1603H variant (also known as c.4807T>C), located in coding exon 31 of the ATM gene, results from a T to C substitution at nucleotide position 4807. The tyrosine at codon 1603 is replaced by histidine, an amino acid with similar properties. This amino acid position is not well conserved in available vertebrate species. In addition, this alteration is predicted to be tolerated by in silico analysis. Since supporting evidence is limited at this time, the clinical significance of this alteration remains unclear.

Institute for Biomarker Research, Medical Diagnostic Laboratories, L.L.C.
Classification: Uncertain significance for Hereditary cancer-predisposing syndrome. Last evaluated: 2024-05-14. Review status: criteria provided, single submitter. Criteria: ACMG Guidelines, 2015. Collection method: clinical testing. Allele origin: germline.

Baylor Genetics
Classification: Uncertain significance for Familial cancer of breast. Last evaluated: 2023-07-14. Review status: criteria provided, single submitter. Criteria: ACMG Guidelines, 2015. Collection method: clinical testing. Allele origin: unknown.

GeneDx
Classification: Uncertain significance. Last evaluated: 2020-12-18. Review status: criteria provided, single submitter. Criteria: GeneDx Variant Classification Process June 2021. Collection method: clinical testing. Allele origin: germline. Affected: yes.
Comment: Not observed in large population cohorts (Lek 2016); In silico analysis supports that this missense variant does not alter protein structure/function; Has not been previously published as pathogenic or benign to our knowledge

Color Diagnostics, LLC DBA Color Health
Classification: Uncertain significance for Hereditary cancer-predisposing syndrome. Last evaluated: 2020-08-04. Review status: criteria provided, single submitter. Criteria: ACMG Guidelines, 2015. Collection method: clinical testing. Allele origin: germline.
Comment: This missense variant replaces tyrosine with histidine at codon 1603 of the ATM protein. Computational prediction suggests that this variant may not impact protein structure and function (internally defined REVEL score threshold <= 0.5, PMID: 27666373). To our knowledge, functional studies have not been reported for this variant. This variant has not been reported in individuals affected with hereditary cancer in the literature. This variant has not been identified in the general population by the Genome Aggregation Database (gnomAD). The available evidence is insufficient to determine the role of this variant in disease conclusively. Therefore, this variant is classified as a Variant of Uncertain Significance.

Natera, Inc.
Classification: Uncertain significance for Ataxia-telangiectasia. Last evaluated: 2020-02-25. Review status: no assertion criteria provided. Collection method: clinical testing. Allele origin: germline. Not counted in ClinVar's aggregate classification.

NM_000051.4(ATM):c.4807T>C (p.Tyr1603His)

Gene: ATM (ATM serine/threonine kinase; plus strand). Cytogenetic location: 11q22.3.
Variant type: single nucleotide variant.
Coding change: c.4807T>C on transcript NM_000051.4 (MANE Select); coding-DNA position 4807, T replaced by C.
Protein change: p.Tyr1603His; replaces tyrosine 1603 with histidine.
Molecular consequence: missense variant.
Genome position (GRCh38, 1-based): chr11:108,294,957, T>C. VCF-style: chr11-108294957-T-C. GRCh37 (hg19) VCF-style: chr11-108165684-T-C.
Other names: c.4807T>C, p.Tyr1603His (NM_001351834.2); short protein forms Y1603H.
Identifiers: ClinVar variation 481197 (VCV000481197.25), dbSNP rs994121421, ClinGen allele CA228380664.
Genomic context (GRCh38, chr11:108,294,957, plus strand): 5'-GTTAAAAGCAAGTTACATTTTCTCTTTTAGGAAATTAACCATTTTCTCTCAGTAAGTGTT[T>C]ATGATGCACTTCCATTGACAAGACTTGAAGGACTAAAGGATCTTCGAAGACAACTGGAAC-3'
Protein context (NP_000042.3, residues 1593-1613): EINHFLSVSV[Tyr1603His]DALPLTRLEG